The following is an entry in ClinVar:

ClinVar aggregate classification (germline): Uncertain significance (1 of 4 stars; one submission).

Submission:

Ambry Genetics
Classification: Uncertain significance. Last evaluated: 2025-04-02. Review status: criteria provided, single submitter. Criteria: Ambry Variant Classification Scheme 2023. Collection method: clinical testing. Allele origin: germline.
Comment: The p.P374H variant (also known as c.1121C>A), located in coding exon 8 of the RNF43 gene, results from a C to A substitution at nucleotide position 1121. The proline at codon 374 is replaced by histidine, an amino acid with similar properties. This amino acid position is conserved. In addition, this alteration is predicted to be tolerated by in silico analysis. Based on the available evidence, the clinical significance of this variant remains unclear.

NM_017763.6(RNF43):c.1121C>A (p.Pro374His)

Gene: RNF43 (ring finger protein 43; minus strand). Cytogenetic location: 17q22.
Variant type: single nucleotide variant.
Coding change: c.1121C>A on transcript NM_017763.6 (MANE Select); coding-DNA position 1121, C replaced by A.
Protein change: p.Pro374His; replaces proline 374 with histidine.
Molecular consequence: missense variant.
Genome position (GRCh38, 1-based): chr17:58,358,655, G>T on the plus strand (C>A on the coding strand, the complement: RNF43 is on the minus strand). VCF-style: chr17-58358655-G-T. GRCh37 (hg19) VCF-style: chr17-56436016-G-T.
Other names: c.1121C>A, p.Pro374His (NM_001305544.3); c.740C>A, p.Pro247His (NM_001305545.2); short protein forms P247H, P374H.
Identifiers: ClinVar variation 3946842 (VCV003946842.1).
Genomic context (GRCh38, chr17:58,358,655, plus strand): 5'-GCAGCTCTGGGGAAGCGGTGATGCCGAGGGCCCATGCCTGGCTCCTGGGATGGCAGGAAG[G>T]GACCAGGTCGTGGGGGCCGAGCCACTGCACTCCGGGAAGGGCCCAACAGGTAGGCAGCAG-3'
Protein context (NP_060233.3, residues 364-384): SAVARPPRPG[Pro374His]FLPSQEPGMG